The following is an entry in ClinVar:

NM_001330260.2(SCN8A):c.3436G>T (p.Val1146Phe)

Gene: SCN8A (sodium voltage-gated channel alpha subunit 8; plus strand). Cytogenetic location: 12q13.13.
Variant type: single nucleotide variant.
Coding change: c.3436G>T on transcript NM_001330260.2 (MANE Select); coding-DNA position 3436, G replaced by T.
Protein change: p.Val1146Phe; replaces valine 1146 with phenylalanine.
Molecular consequence: missense variant.
Genome position (GRCh38, 1-based): chr12:51,769,931, G>T. VCF-style: chr12-51769931-G-T. GRCh37 (hg19) VCF-style: chr12-52163715-G-T.
Other names: c.3436G>T, p.Val1146Phe (NM_001177984.3, NM_001369788.1, NM_014191.4); short protein forms V1146F.
Identifiers: ClinVar variation 2708151 (VCV002708151.3), dbSNP rs1439234909, ClinGen allele CA384895406.
Genomic context (GRCh38, chr12:51,769,931, plus strand): 5'-CTAGATGACACCAGCTCCTCTGAAGGAAGCACCATTGATATCAAACCAGAAGTAGAAGAG[G>T]TCCCTGTGGAACAGCCTGAGGAATACTTGGATCCAGATGCCTGCTTCACAGAAGGTGAAA-3'
Protein context (NP_001317189.1, residues 1136-1156): TIDIKPEVEE[Val1146Phe]PVEQPEEYLD

ClinVar aggregate classification (germline): Uncertain significance (1 of 4 stars; one submission).

Conditions:
Early-infantile DEE. Also called: Early infantile epileptic encephalopathy with suppression bursts; Early infantile epileptic encephalopathy; Ohtahara syndrome. Identifiers: Orphanet 1934, MedGen C0393706, MONDO:0800491.

Submission:

Labcorp Genetics (formerly Invitae), Labcorp
Classification: Uncertain significance for Early-infantile DEE. Last evaluated: 2024-01-07. Review status: criteria provided, single submitter. Criteria: Invitae Variant Classification Sherloc (09022015). Collection method: clinical testing. Allele origin: germline.
Comment: This sequence change replaces valine, which is neutral and non-polar, with phenylalanine, which is neutral and non-polar, at codon 1146 of the SCN8A protein (p.Val1146Phe). This variant is not present in population databases (gnomAD no frequency). This variant has not been reported in the literature in individuals affected with SCN8A-related conditions. Advanced modeling of protein sequence and biophysical properties (such as structural, functional, and spatial information, amino acid conservation, physicochemical variation, residue mobility, and thermodynamic stability) performed at Invitae indicates that this missense variant is not expected to disrupt SCN8A protein function with a negative predictive value of 95%. In summary, the available evidence is currently insufficient to determine the role of this variant in disease. Therefore, it has been classified as a Variant of Uncertain Significance.